The following is an entry in ClinVar:

NM_000532.5(PCCB):c.882C>T (p.Pro294=)

Gene: PCCB (propionyl-CoA carboxylase subunit beta; plus strand). Cytogenetic location: 3q22.3.
Variant type: single nucleotide variant.
Coding change: c.882C>T on transcript NM_000532.5 (MANE Select); coding-DNA position 882, C replaced by T.
Protein change: p.Pro294=; no amino-acid change (proline 294 retained).
Molecular consequence: synonymous variant.
Genome position (GRCh38, 1-based): chr3:136,298,070, C>T. VCF-style: chr3-136298070-C-T. GRCh37 (hg19) VCF-style: chr3-136016912-C-T.
Other names: c.942C>T, p.Pro314= (NM_001178014.2).
Identifiers: ClinVar variation 343472 (VCV000343472.46), dbSNP rs142730126, ClinGen allele CA2631904.

ClinVar aggregate classification (germline): Conflicting classifications of pathogenicity. Review status: criteria provided, conflicting classifications (1 of 4 stars). 8 submissions from 8 submitters: Uncertain significance (2); Likely benign (5). 1 of the submissions does not count toward it. Last evaluated 2026-01-26.

Conditions:
Propionic acidemia (PROP). Also called: GLYCINEMIA, KETOTIC; HYPERGLYCINEMIA WITH KETOACIDOSIS AND LEUKOPENIA; KETOTIC HYPERGLYCINEMIA. Identifiers: Orphanet 35, MedGen C0268579, MONDO:0011628, OMIM 606054, HP:0003571.

Allele frequency attached by ClinVar (database versions not stated): 1000 Genomes Project 0.00040; 1000 Genomes Project 30x 0.00047; gnomAD 0.00080 and 0.00081; TOPMed 0.00085; gnomAD exomes 0.00093 and 0.00127; ExAC 0.00097; ESP Exome Variant Server 0.00123.
gnomAD v4.1: 1,966 of 1,614,124 alleles (0.12%); highest among the groups gnomAD compares: Non-Finnish European, 0.15%; 7 homozygotes.

Submissions (11):

Labcorp Genetics (formerly Invitae), Labcorp
Classification: Likely benign for Propionic acidemia. Last evaluated: 2026-01-26. Review status: criteria provided, single submitter. Criteria: Invitae Variant Classification Sherloc (09022015). Collection method: clinical testing. Allele origin: germline.

Blueprint Genetics
Classification: Likely benign. Last evaluated: 2024-11-21. Review status: criteria provided, single submitter. Criteria: ACMG Guidelines, 2015. Collection method: clinical testing. Allele origin: germline.

CeGaT Center for Human Genetics Tuebingen
Classification: Likely benign. Last evaluated: 2023-05-01. Review status: criteria provided, single submitter. Criteria: CeGaT Center For Human Genetics Tuebingen Variant Classification Criteria Version 2. Collection method: clinical testing. Allele origin: germline. Affected: yes. Observed: 2 variant alleles.
Comment: PCCB: BP4, BP7, BS2

Women's Health and Genetics/Laboratory Corporation of America, LabCorp
Classification: Likely benign. Last evaluated: 2021-05-30. Review status: criteria provided, single submitter. Criteria: LabCorp Variant Classification Summary - May 2015. Collection method: clinical testing. Allele origin: germline.
Comment: Variant summary: PCCB c.882C>T (p.Pro294Pro) alters a non-conserved nucleotide located in the exonic splice region close to the canonical splice site and therefore could affect mRNA splicing, leading to a significantly altered protein sequence. 4/4 computational tools predict no significant impact on normal splicing, although a slight weakening of the canonical splice donor site is predicted. However, these predictions have yet to be confirmed by functional studies. The variant allele was found at a frequency of 0.00093 in 251454 control chromosomes in the gnomAD database, including 2 homozygotes. This frequency is not significantly higher than expected for a pathogenic variant in PCCB causing Propionic Acidemia (0.00093 vs 0.0025), allowing no conclusion about variant significance. To our knowledge, no occurrence of c.882C>T in individuals affected with Propionic Acidemia and no experimental evidence demonstrating its impact on protein function have been reported. Five clinical diagnostic laboratories have submitted clinical-significance assessments for this variant to ClinVar after 2014 without evidence for independent evaluation. Multiple laboratories reported the variant with conflicting assessments (likely benign, n=3, VUS, n=2). Based on the evidence outlined above, the variant was classified as likely benign.

Laboratory of Inherited Metabolic Diseases, Research centre for medical genetics
Classification: Uncertain significance for Propionic acidemia. Last evaluated: 2021-02-17. Review status: criteria provided, single submitter. Criteria: ACMG Guidelines, 2015. Collection method: research, in vitro. Allele origin: germline, not applicable.
Comment: PM2, BS3

GeneDx
Classification: Likely benign. Last evaluated: 2020-09-08. Review status: criteria provided, single submitter. Criteria: GeneDx Variant Classification Process June 2021. Collection method: clinical testing. Allele origin: germline. Affected: yes.

Illumina Laboratory Services, Illumina
Classification: Uncertain significance for Propionic acidemia. Last evaluated: 2018-01-12. Review status: criteria provided, single submitter. Criteria: ICSL Variant Classification Criteria 13 December 2019. Collection method: clinical testing. Allele origin: germline.

Natera, Inc.
Classification: Likely benign for Propionic acidemia. Last evaluated: 2019-12-13. Review status: no assertion criteria provided. Collection method: clinical testing. Allele origin: germline. Not counted in ClinVar's aggregate classification.

Dr. Peter K. Rogan Lab, Western University
No classification provided (evidence only). Condition: Familial cancer of breast. Review status: no classification provided. Collection method: in vitro. Allele origin: not applicable. Functional consequence: retained intron. Not counted in ClinVar's aggregate classification.

Dr. Peter K. Rogan Lab, Western University
No classification provided (evidence only). Condition: Thyroid cancer, nonmedullary, 1. Review status: no classification provided. Collection method: in vitro. Allele origin: not applicable. Functional consequence: retained intron. Not counted in ClinVar's aggregate classification.

Dr. Peter K. Rogan Lab, Western University
No classification provided (evidence only). Condition: Uterine corpus endometrial carcinoma. Review status: no classification provided. Collection method: in vitro. Allele origin: not applicable. Functional consequence: retained intron. Not counted in ClinVar's aggregate classification.